The following is an entry in ClinVar:

NM_014363.6(SACS):c.2599del (p.Tyr867fs)

Gene: SACS (sacsin molecular chaperone; minus strand). Cytogenetic location: 13q12.12.
Variant type: Deletion.
Coding change: c.2599del on transcript NM_014363.6 (MANE Select); coding-DNA position 2599, one base deleted (T; older notation c.2599delT).
Protein change: p.Tyr867fs; shifts the reading frame from tyrosine 867.
Molecular consequence: frameshift variant.
Genome position (GRCh38, 1-based): chr13:23,341,277, A deleted on the plus strand (T on the coding strand, the reverse complement: SACS is on the minus strand). VCF-style (leftmost placement, unchanged base first): chr13-23341276-TA-T. GRCh37 (hg19) VCF-style: chr13-23915415-TA-T.
Other names: c.2158del, p.Tyr720fs (NM_001278055.2); c.2626del, p.Tyr876fs (NM_001437336.1); short protein forms Y720fs, Y867fs, Y876fs.
Identifiers: ClinVar variation 4081786 (VCV004081786.1).

ClinVar aggregate classification (germline): Pathogenic (1 of 4 stars; one submission).

Conditions:
Charlevoix-Saguenay spastic ataxia (SACS). Also called: SPASTIC ATAXIA 6, AUTOSOMAL RECESSIVE; AUTOSOMAL RECESSIVE SPASTIC ATAXIA OF CHARLEVOIX-SAGUENAY; Spastic ataxia of Charlevoix-Saguenay. Identifiers: Orphanet 98, MedGen C1849140, MONDO:0010041, OMIM 270550.

Submission:

Myriad Genetics, Inc.
Classification: Pathogenic for Charlevoix-Saguenay spastic ataxia. Last evaluated: 2025-05-20. Review status: criteria provided, single submitter. Criteria: Myriad Autosomal Dominant, Autosomal Recessive and X-Linked Classification Criteria (2023). Collection method: clinical testing. Allele origin: unknown.
Comment: NM_014363.4(SACS):c.2599delT(Y867Ifs*13) is a frameshift variant classified as pathogenic in the context of autosomal recessive spastic ataxia of Charlevoix-Saguenay. Y867Ifs*13 has not been observed in cases with relevant disease. Relevant functional assessments of this variant are not available in the literature. Y867Ifs*13 has not been observed in referenced population frequency databases. In summary, NM_014363.4(SACS):c.2599delT(Y867Ifs*13) is a frameshift variant in a gene where loss of function is a known mechanism of disease and is predicted to disrupt protein function. Please note: this variant was assessed in the context of healthy population screening.